The following is an entry in ClinVar:

ClinVar aggregate classification (germline): Benign/Likely benign. Review status: criteria provided, multiple submitters, no conflicts (2 of 4 stars). 9 submissions from 9 submitters: Benign (8); Likely benign (1). Last evaluated 2026-02-04.

Conditions:
Thrombocytopenia 2 (THC2). Also called: ANKRD26-Related Thrombocytopenia. Identifiers: Orphanet 268322, MedGen C1861185, MONDO:0008555, OMIM 188000.

Allele frequency attached by ClinVar (database versions not stated): ESP Exome Variant Server 0.17173; gnomAD exomes 0.17191 and 0.22129; gnomAD 0.19016 and 0.19999; TOPMed 0.19279; ExAC 0.22581; 1000 Genomes Project 30x 0.30840; 1000 Genomes Project 0.31729.
gnomAD v4.1: 282,810 of 1,612,226 alleles (18%); highest among the groups gnomAD compares: East Asian, 57%; 31,615 homozygotes.

Submissions (9):

Labcorp Genetics (formerly Invitae), Labcorp
Classification: Benign. Last evaluated: 2026-02-04. Review status: criteria provided, single submitter. Criteria: Invitae Variant Classification Sherloc (09022015). Collection method: clinical testing. Allele origin: germline.

ARUP Laboratories, Molecular Genetics and Genomics, ARUP Laboratories
Classification: Benign for Thrombocytopenia 2. Last evaluated: 2025-07-28. Review status: criteria provided, single submitter. Criteria: ARUP Molecular Germline Variant Investigation Process 2024. Collection method: clinical testing. Allele origin: germline.

Blueprint Genetics
Classification: Likely benign. Last evaluated: 2024-11-27. Review status: criteria provided, single submitter. Criteria: ACMG Guidelines, 2015. Collection method: clinical testing. Allele origin: germline.

Mayo Clinic Laboratories, Mayo Clinic
Classification: Benign. Last evaluated: 2022-10-21. Review status: criteria provided, single submitter. Criteria: ACMG Guidelines, 2015. Collection method: clinical testing. Allele origin: germline. Observed: 327 variant alleles.

Genome-Nilou Lab
Classification: Benign for Thrombocytopenia 2. Last evaluated: 2021-12-05. Review status: criteria provided, single submitter. Criteria: ACMG Guidelines, 2015. Collection method: clinical testing. Allele origin: germline. Affected: no.

GeneDx
Classification: Benign. Last evaluated: 2018-11-08. Review status: criteria provided, single submitter. Criteria: GeneDx Variant Classification Process June 2021. Collection method: clinical testing. Allele origin: germline. Affected: yes.

Illumina Laboratory Services, Illumina
Classification: Benign for Thrombocytopenia 2. Last evaluated: 2018-01-13. Review status: criteria provided, single submitter. Criteria: ICSL Variant Classification Criteria 13 December 2019. Collection method: clinical testing. Allele origin: germline.
Comment: This variant was observed in the ICSL laboratory as part of a predisposition screen in an ostensibly healthy population. It had not been previously curated by ICSL or reported in the Human Gene Mutation Database (HGMD: prior to June 1st, 2018), and was therefore a candidate for classification through an automated scoring system. Utilizing variant allele frequency, disease prevalence and penetrance estimates, and inheritance mode, an automated score was calculated to assess if this variant is too frequent to cause the disease. Based on the score and internal cut-off values, a variant classified as benign is not then subjected to further curation. The score for this variant resulted in a classification of benign for this disease.

Breakthrough Genomics
Classification: Benign. Review status: criteria provided, single submitter. Criteria: ACMG Guidelines, 2015. Collection method: not provided. Allele origin: germline. Inheritance: Autosomal dominant inheritance. Affected: yes.

PreventionGenetics, part of Exact Sciences
Classification: Benign. Review status: criteria provided, single submitter. Criteria: ACMG Guidelines, 2015. Collection method: clinical testing. Allele origin: germline.

NM_014915.3(ANKRD26):c.4542T>A (p.Phe1514Leu)

Gene: ANKRD26 (ankyrin repeat domain 26; minus strand). Cytogenetic location: 10p12.1.
Variant type: single nucleotide variant.
Coding change: c.4542T>A on transcript NM_014915.3 (MANE Select); coding-DNA position 4542, T replaced by A.
Protein change: p.Phe1514Leu; replaces phenylalanine 1514 with leucine.
Molecular consequence: missense variant.
Genome position (GRCh38, 1-based): chr10:27,014,676, A>T on the plus strand (T>A on the coding strand, the complement: ANKRD26 is on the minus strand). VCF-style: chr10-27014676-A-T. GRCh37 (hg19) VCF-style: chr10-27303605-A-T.
Other names: p.Phe1514Leu; c.4539T>A, p.Phe1513Leu (NM_001256053.2); short protein forms F1514L, F1513L.
Identifiers: ClinVar variation 260470 (VCV000260470.25), dbSNP rs2274741, ClinGen allele CA5447766.
Genomic context (GRCh38, chr10:27,014,676, plus strand): 5'-TTCCAGATCTTTAATTCTGAGTTCCATCTGACTTTTCATTGAAGCAAAATTATTCTCTCT[A>T]AACTGCTCTAAGTTTTCTTGAGATGCTGCTTGTGCCTAAAACAAATTAAAAGCATATGTT-3'
Protein context (NP_055730.2, residues 1504-1524): QAASQENLEQ[Phe1514Leu]RENNFASMKS